The following is an entry in ClinVar:

ClinVar aggregate classification (germline): Likely benign. Review status: criteria provided, multiple submitters, no conflicts (2 of 4 stars). 5 submissions from 5 submitters: Likely benign (4). 1 of the submissions does not count toward it. Last evaluated 2025-12-19.

Conditions:
Hereditary cancer-predisposing syndrome. Also called: Neoplastic Syndromes, Hereditary; Hereditary neoplastic syndrome; Tumor predisposition; Hereditary Cancer Syndrome. Identifiers: Orphanet 140162, MedGen C0027672, MeSH D009386, MONDO:0015356.
Tuberous sclerosis syndrome (TSC). Also called: Tuberous Sclerosis Complex; Tuberous sclerosis. Identifiers: Orphanet 805, MedGen C0041341, MONDO:0001734.
Tuberous sclerosis 2 (TSC2). Identifiers: Orphanet 805, MedGen C1860707, MONDO:0013199, OMIM 613254.

Allele frequency attached by ClinVar (database versions not stated): gnomAD exomes 0.00001 and 0.00003; TOPMed 0.00001; ExAC 0.00002; gnomAD 0.00002.
gnomAD v4.1: 11 of 1,610,280 alleles (0.00068%); highest among the groups gnomAD compares: East Asian, 0.016%; no homozygotes.

Submissions (5):

Labcorp Genetics (formerly Invitae), Labcorp
Classification: Likely benign for Tuberous sclerosis 2. Last evaluated: 2025-12-19. Review status: criteria provided, single submitter. Criteria: Invitae Variant Classification Sherloc (09022015). Collection method: clinical testing. Allele origin: germline.

Ambry Genetics
Classification: Likely benign for Hereditary cancer-predisposing syndrome. Last evaluated: 2023-01-20. Review status: criteria provided, single submitter. Criteria: Ambry Variant Classification Scheme 2023. Collection method: clinical testing. Allele origin: germline.

Genome-Nilou Lab
Classification: Likely benign for Tuberous sclerosis 2. Last evaluated: 2021-11-07. Review status: criteria provided, single submitter. Criteria: ACMG Guidelines, 2015. Collection method: clinical testing. Allele origin: germline. Affected: no.

Illumina Laboratory Services, Illumina
Classification: Likely benign for Tuberous sclerosis syndrome. Last evaluated: 2018-01-12. Review status: criteria provided, single submitter. Criteria: ICSL Variant Classification Criteria 13 December 2019. Collection method: clinical testing. Allele origin: germline.
Comment: This variant was observed in the ICSL laboratory as part of a predisposition screen in an ostensibly healthy population. It had not been previously curated by ICSL or reported in the Human Gene Mutation Database (HGMD: prior to June 1st, 2018), and was therefore a candidate for classification through an automated scoring system. Utilizing variant allele frequency, disease prevalence and penetrance estimates, and inheritance mode, an automated score was calculated to assess if this variant is too frequent to cause the disease. Based on the score and internal cut-off values, a variant classified as likely benign is not then subjected to further curation. The score for this variant resulted in a classification of likely benign for this disease.

Division of Genomic Medicine, Department of Advanced Medicine, Medical Research Institute, Kanazawa Medical University
Classification: Likely pathogenic for Tuberous sclerosis 2. Last evaluated: 2022-08-05. Review status: flagged submission. Criteria: ACMG Guidelines, 2015. Collection method: clinical testing. Allele origin: germline. Affected: yes. Observed: 2 variant alleles. Not counted in ClinVar's aggregate classification.
Comment: According to ACMG GL 2015, this variant located in GAP domain (PM1), Asp1644Tyr determined to be pathogenic (PM5), multiple lines of computational evidence support a deleterious effect (PP3).
ClinVar note: Reason: Outlier claim with insufficient supporting evidence

Literature cited by the submitters: PubMed 32917966 (cited by Ambry Genetics); PubMed 36232477 (cited by Ambry Genetics).

NM_000548.5(TSC2):c.4930G>A (p.Asp1644Asn)

Gene: TSC2 (TSC complex subunit 2; plus strand). Cytogenetic location: 16p13.3.
Variant type: single nucleotide variant.
Coding change: c.4930G>A on transcript NM_000548.5 (MANE Select); coding-DNA position 4930, G replaced by A.
Protein change: p.Asp1644Asn; replaces aspartic acid 1644 with asparagine.
Molecular consequence: missense variant.
Genome position (GRCh38, 1-based): chr16:2,086,812, G>A. VCF-style: chr16-2086812-G-A. GRCh37 (hg19) VCF-style: chr16-2136813-G-A.
Other names: c.4729G>A, p.Asp1577Asn (NM_001077183.3); c.4861G>A, p.Asp1621Asn (NM_001114382.3); c.4621G>A, p.Asp1541Asn (NM_001318827.2); c.4585G>A, p.Asp1529Asn (NM_001318829.2); c.4198G>A, p.Asp1400Asn (NM_001318831.2); c.4762G>A, p.Asp1588Asn (NM_001318832.2); c.4732G>A, p.Asp1578Asn (NM_001363528.2); c.4798G>A, p.Asp1600Asn (NM_001370404.1); and 1 more; short protein forms D1644N, D1621N, D1529N, D1578N, D1601N, D1400N, D1541N, D1577N.
Identifiers: ClinVar variation 318335 (VCV000318335.22), dbSNP rs137853999, ClinGen allele CA053097.
Genomic context (GRCh38, chr16:2,086,812, plus strand): 5'-CTGATGCCCACCAAGGACGTGGACAAGCACCGCTGCGACAAGAAGCGCCACCTGGGCAAC[G>A]ACTTTGTGTCCATTGTCTACAATGACTCCGGTGAGGACTTCAAGCTTGGCACCATCAAGG-3'
Protein context (NP_000539.2, residues 1634-1654): RCDKKRHLGN[Asp1644Asn]FVSIVYNDSG